The following is an entry in ClinVar:

NM_012082.4(ZFPM2):c.2067_2071del (p.Glu690fs)

Genes: ZFPM2 (zinc finger protein, FOG family member 2; plus strand), ZFPM2-AS1 (ZFPM2 antisense RNA 1; minus strand). Cytogenetic location: 8q23.1.
Variant type: Deletion.
Coding change: c.2067_2071del on transcript NM_012082.4 (MANE Select); coding-DNA positions 2067 to 2071, 5 bases deleted (TGAAG; older notation c.2067_2071delTGAAG).
Protein change: p.Glu690fs; shifts the reading frame from glutamic acid 690.
Molecular consequence: frameshift variant.
Genome position (GRCh38, 1-based): chr8:105,802,149-105,802,153, TGAAG deleted; deleting any 5 consecutive bases within chr8:105,802,148-105,802,153 gives the same sequence; the c. name uses the placement nearest the transcript's 3' end. VCF-style (leftmost placement, unchanged base first): chr8-105802147-TGTGAA-T. GRCh37 (hg19) VCF-style: chr8-106814375-TGTGAA-T.
Other names: c.1908_1912del, p.Glu637fs (NM_001362836.2); c.1671_1675del, p.Glu558fs (NM_001362837.2); short protein forms E637fs, E558fs, E690fs.
Identifiers: ClinVar variation 3645885 (VCV003645885.2).
Genomic context (GRCh38, chr8:105,802,147, plus strand): 5'-GATGTGAAAAATCCCAGTGTCCCCTTAGTGGATGGGGAAAGTGACCCAAATAAGACTACC[TGTGAA>T]GCTTGCAACATTACCTTCAGCCGGCACGAAACATACATGGTCCACAAACAGTATTACTGT-3'

ClinVar aggregate classification (germline): Uncertain significance (1 of 4 stars; one submission).

Conditions:
46,XY sex reversal 9 (SRXY9). Also called: 46,XY SEX REVERSAL, ZFPM2-RELATED. Identifiers: Orphanet 251510, MedGen C4015129, MONDO:0014480, OMIM 616067.

Submission:

Labcorp Genetics (formerly Invitae), Labcorp
Classification: Uncertain significance for 46,XY sex reversal 9. Last evaluated: 2024-03-14. Review status: criteria provided, single submitter. Criteria: Invitae Variant Classification Sherloc (09022015). Collection method: clinical testing. Allele origin: germline.
Comment: This sequence change creates a premature translational stop signal (p.Glu690Leufs*52) in the ZFPM2 gene. While this is not anticipated to result in nonsense mediated decay, it is expected to disrupt the last 462 amino acid(s) of the ZFPM2 protein. This variant is not present in population databases (gnomAD no frequency). This variant has not been reported in the literature in individuals affected with ZFPM2-related conditions. Experimental studies and prediction algorithms are not available or were not evaluated, and the functional significance of this variant is currently unknown. This variant disrupts a region of the ZFPM2 protein in which other variant(s) (p.Lys865Glu) have been observed in individuals with ZFPM2-related conditions (PMID: 24702427). This suggests that this is a clinically significant region of the protein, and that variants that disrupt it are likely to be disease-causing. In summary, the available evidence is currently insufficient to determine the role of this variant in disease. Therefore, it has been classified as a Variant of Uncertain Significance.

Literature cited by the submitters: PubMed 24702427.